The following is an entry in ClinVar:

NM_152564.5(VPS13B):c.10199C>G (p.Pro3400Arg)

Gene: VPS13B (vacuolar protein sorting 13 homolog B; plus strand). Cytogenetic location: 8q22.2.
Variant type: single nucleotide variant.
Coding change: c.10199C>G on transcript NM_152564.5 (MANE Select); coding-DNA position 10199, C replaced by G.
Protein change: p.Pro3400Arg; replaces proline 3400 with arginine.
Molecular consequence: missense variant.
Genome position (GRCh38, 1-based): chr8:99,853,588, C>G. VCF-style: chr8-99853588-C-G. GRCh37 (hg19) VCF-style: chr8-100865816-C-G.
Other names: c.10274C>G, p.Pro3425Arg (NM_017890.5); c.10274C>G (NM_017890.3); c.10199C>G (NM_152564.4); short protein forms P3400R, P3425R.
Identifiers: ClinVar variation 1003790 (VCV001003790.17), dbSNP rs368041601, ClinGen allele CA182314107.

ClinVar aggregate classification (germline): Uncertain significance. Review status: criteria provided, multiple submitters, no conflicts (2 of 4 stars). 7 submissions from 7 submitters: Uncertain significance (6). 1 of the submissions does not count toward it. Last evaluated 2026-06-30.

Conditions:
Inborn genetic diseases. Identifiers: MedGen C0950123, MeSH D030342.
VPS13B-related disorder. Also called: VPS13B-related condition.
Cohen syndrome (COH1). Also called: Cutis verticis gyrata, retinitis pigmentosa, and sensorineural deafness; PEPPER SYNDROME. Identifiers: Orphanet 193, MedGen C0265223, MONDO:0008999, OMIM 216550.

Allele frequency attached by ClinVar (database versions not stated): TOPMed 0.00002.
gnomAD v4.1: 8 of 1,614,134 alleles (0.0005%); highest among the groups gnomAD compares: Admixed American, 0.0083%; no homozygotes.

Submissions (7):

PreventionGenetics, part of Exact Sciences
Classification: Uncertain significance for VPS13B-related condition. Last evaluated: 2026-06-30. Review status: criteria provided, single submitter. Criteria: ACMG Guidelines, 2015. Collection method: clinical testing. Allele origin: germline.
Comment: The VPS13B c.10199C>G variant is predicted to result in the amino acid substitution p.Pro3400Arg. To our knowledge, this variant has not been reported in the literature or in a large population database (gnomAD), indicating this variant is rare. At this time, the clinical significance of this variant is uncertain due to the absence of conclusive functional and genetic evidence.

CeGaT Center for Human Genetics Tuebingen
Classification: Uncertain significance. Last evaluated: 2026-03-01. Review status: criteria provided, single submitter. Criteria: CeGaT Center For Human Genetics Tuebingen Variant Classification Criteria Version 2. Collection method: clinical testing. Allele origin: germline. Affected: yes. Observed: 1 variant allele.
Comment: VPS13B: PM2, BP4

Labcorp Genetics (formerly Invitae), Labcorp
Classification: Uncertain significance for Cohen syndrome. Last evaluated: 2026-01-26. Review status: criteria provided, single submitter. Criteria: Invitae Variant Classification Sherloc (09022015). Collection method: clinical testing. Allele origin: germline.
Comment: This sequence change replaces proline, which is neutral and non-polar, with arginine, which is basic and polar, at codon 3425 of the VPS13B protein (p.Pro3425Arg). This variant is not present in population databases (gnomAD no frequency). This variant has not been reported in the literature in individuals affected with VPS13B-related conditions. ClinVar contains an entry for this variant (Variation ID: 1003790). Invitae Evidence Modeling of protein sequence and biophysical properties (such as structural, functional, and spatial information, amino acid conservation, physicochemical variation, residue mobility, and thermodynamic stability) indicates that this missense variant is expected to disrupt VPS13B protein function with a positive predictive value of 80%. In summary, the available evidence is currently insufficient to determine the role of this variant in disease. Therefore, it has been classified as a Variant of Uncertain Significance.

Dasa
Classification: Uncertain significance for Cohen syndrome. Last evaluated: 2025-12-01. Review status: criteria provided, single submitter. Criteria: DASA Assertion Criteria. Collection method: clinical testing. Allele origin: germline.
Comment: NM_152564.5(VPS13B):c.10199C>G (p.Pro3400Arg) is a missense variant that results in the substitution of proline with arginine. This variant is rare in population databases. The currently available literature and clinical evidence are not sufficient to establish a definitive association between this variant and the reported condition. Therefore, this variant is classified as a variant of uncertain significance.

Ambry Genetics
Classification: Uncertain significance for Inborn genetic diseases. Last evaluated: 2025-11-26. Review status: criteria provided, single submitter. Criteria: Ambry Variant Classification Scheme 2023. Collection method: clinical testing. Allele origin: germline.

Blueprint Genetics
Classification: Uncertain significance. Last evaluated: 2024-05-08. Review status: criteria provided, single submitter. Criteria: ACMG Guidelines, 2015. Collection method: clinical testing. Allele origin: germline.

Natera, Inc.
Classification: Uncertain significance for Cohen syndrome. Last evaluated: 2020-05-26. Review status: no assertion criteria provided. Collection method: clinical testing. Allele origin: germline. Not counted in ClinVar's aggregate classification.